The following is an entry in ClinVar:

NM_001374736.1(DST):c.9243A>G (p.Thr3081=)

Gene: DST (dystonin; minus strand). Cytogenetic location: 6p12.1.
Variant type: single nucleotide variant.
Coding change: c.9243A>G on transcript NM_001374736.1 (MANE Select); coding-DNA position 9243, A replaced by G.
Protein change: p.Thr3081=; no amino-acid change (threonine 3081 retained).
Molecular consequence: synonymous variant. On other transcripts: intron variant (6).
Genome position (GRCh38, 1-based): chr6:56,605,385, T>C on the plus strand (A>G on the coding strand, the complement: DST is on the minus strand). VCF-style: chr6-56605385-T-C. GRCh37 (hg19) VCF-style: chr6-56470183-T-C.
Other names: c.3672+5042A>G (NM_015548.5); c.9243A>G, p.Thr3081= (NM_001374722.1); c.8610A>G, p.Thr2870= (NM_001374729.1); c.9270A>G, p.Thr3090= (NM_001374734.1); c.5184+5042A>G (NM_001144769.5); c.4770+5042A>G (NM_001144770.2); c.4650+5042A>G (NM_001374730.1, NM_001386100.1, NM_183380.4).
Identifiers: ClinVar variation 4281181 (VCV004281181.7).

ClinVar aggregate classification (germline): Likely benign (1 of 4 stars; one submission).

Submission:

CeGaT Center for Human Genetics Tuebingen
Classification: Likely benign. Last evaluated: 2025-09-01. Review status: criteria provided, single submitter. Criteria: CeGaT Center For Human Genetics Tuebingen Variant Classification Criteria Version 2. Collection method: clinical testing. Allele origin: germline. Affected: yes. Observed: 1 variant allele.
Comment: DST: PM2:Supporting, BP4, BP7